The following is an entry in ClinVar:

ClinVar aggregate classification (germline): Likely benign. Review status: criteria provided, multiple submitters, no conflicts (2 of 4 stars). 2 submissions from 2 submitters: Likely benign (2). Last evaluated 2026-08-04.

Conditions:
USH2A-related disorder. Also called: USH2A-related condition; USH2A-related disorders. Identifiers: MedGen CN239332.

Allele frequency attached by ClinVar (database versions not stated): gnomAD exomes below 0.00001 and 0.00001; ExAC 0.00001; TOPMed 0.00003; gnomAD 0.00004; ESP Exome Variant Server 0.00008.
gnomAD v4.1: 11 of 1,612,196 alleles (0.00068%); highest among the groups gnomAD compares: Non-Finnish European, 0.00093%; no homozygotes.

Submissions (2):

PreventionGenetics, part of Exact Sciences
Classification: Likely benign for USH2A-related condition. Last evaluated: 2026-08-04. Review status: criteria provided, single submitter. Criteria: ACMG Guidelines, 2015. Collection method: clinical testing. Allele origin: germline.
Comment: This variant is classified as likely benign based on ACMG/AMP sequence variant interpretation guidelines (Richards et al. 2015 PMID: 25741868, with internal and published modifications).

Labcorp Genetics (formerly Invitae), Labcorp
Classification: Likely benign. Last evaluated: 2025-07-23. Review status: criteria provided, single submitter. Criteria: Invitae Variant Classification Sherloc (09022015). Collection method: clinical testing. Allele origin: germline.

NM_206933.4(USH2A):c.4293A>G (p.Val1431=)

Gene: USH2A (usherin; minus strand). Cytogenetic location: 1q41.
Variant type: single nucleotide variant.
Coding change: c.4293A>G on transcript NM_206933.4 (MANE Select); coding-DNA position 4293, A replaced by G.
Protein change: p.Val1431=; no amino-acid change (valine 1431 retained).
Molecular consequence: synonymous variant.
Genome position (GRCh38, 1-based): chr1:216,190,326, T>C on the plus strand (A>G on the coding strand, the complement: USH2A is on the minus strand). VCF-style: chr1-216190326-T-C. GRCh37 (hg19) VCF-style: chr1-216363668-T-C.
Other names: c.4293A>G, p.Val1431= (NM_007123.6).
Identifiers: ClinVar variation 739371 (VCV000739371.9), dbSNP rs142068313, ClinGen allele CA1395754.